The following is an entry in ClinVar:

NM_015378.4(VPS13D):c.4177G>A (p.Gly1393Arg)

Gene: VPS13D (vacuolar protein sorting 13 homolog D; plus strand). Cytogenetic location: 1p36.22.
Variant type: single nucleotide variant.
Coding change: c.4177G>A on transcript NM_015378.4 (MANE Select); coding-DNA position 4177, G replaced by A.
Protein change: p.Gly1393Arg; replaces glycine 1393 with arginine.
Molecular consequence: missense variant.
Genome position (GRCh38, 1-based): chr1:12,277,765, G>A. VCF-style: chr1-12277765-G-A. GRCh37 (hg19) VCF-style: chr1-12337822-G-A.
Other names: c.4177G>A, p.Gly1393Arg (NM_018156.4); short protein forms G1393R.
Identifiers: ClinVar variation 3381684 (VCV003381684.1).

ClinVar aggregate classification (germline): Uncertain significance (1 of 4 stars; one submission).

Submission:

GeneDx
Classification: Uncertain significance. Last evaluated: 2024-05-23. Review status: criteria provided, single submitter. Criteria: GeneDx Variant Classification Process June 2021. Collection method: clinical testing. Allele origin: germline. Affected: yes.
Comment: Not observed at significant frequency in large population cohorts (gnomAD); In silico analysis supports that this missense variant has a deleterious effect on protein structure/function; Has not been previously published as pathogenic or benign to our knowledge